The following is an entry in ClinVar:

NM_001384474.1(LOXHD1):c.4835del (p.Thr1612fs)

Gene: LOXHD1 (lipoxygenase homology PLAT domains 1; minus strand). Cytogenetic location: 18q21.1.
Variant type: Deletion.
Coding change: c.4835del on transcript NM_001384474.1 (MANE Select); coding-DNA position 4835, one base deleted (C; older notation c.4835delC).
Protein change: p.Thr1612fs; shifts the reading frame from threonine 1612.
Molecular consequence: frameshift variant.
Genome position (GRCh38, 1-based): chr18:46,524,507, G deleted on the plus strand (C on the coding strand, the reverse complement: LOXHD1 is on the minus strand). VCF-style (leftmost placement, unchanged base first): chr18-46524506-TG-T. GRCh37 (hg19) VCF-style: chr18-44104469-TG-T.
Other names: c.1502del, p.Thr501fs (NM_001145472.3); c.1214del, p.Thr405fs (NM_001308013.2); c.4835del, p.Thr1612fs (NM_144612.7); short protein forms T1612fs, T405fs, T501fs.
Identifiers: ClinVar variation 4816831 (VCV004816831.1).
Genomic context (GRCh38, chr18:46,524,506, plus strand): 5'-GAGCTCCCTGGTTGGCTTACTTGGGCCCTCTTGAACGTAGTCAGCCATGGGCCCGGTCAC[TG>T]TGCTGATGTCGACATCGGCCATCTTGGAGCTCAGGGCGATCTCCCAGAAGTCAGCAGGGC-3'

ClinVar aggregate classification (germline): Likely pathogenic (1 of 4 stars; one submission).

Conditions:
Autosomal recessive nonsyndromic hearing loss 77. Identifiers: Orphanet 90636, MedGen C2746083, MONDO:0013119, OMIM 613079.

Submission:

Natera, Inc.
Classification: Likely pathogenic for Autosomal recessive deafness type 77. Last evaluated: 2026-01-28. Review status: criteria provided, single submitter. Criteria: Natera Variant Classification Schema (03/2026). Collection method: clinical testing. Allele origin: germline.
Comment: The c.4835delC variant in LOXHD1 is a frameshift variant predicted to shift the reading frame beginning at codon 1612 and leads to a stop codon 2 codons downstream. This variant is expected to result in nonsense mediated decay, truncation, or a dysfunctional protein product. This variant is rare in the general population with a frequency below the threshold expected for the associated phenotype(s). Given the available evidence, this variant is classified as Likely Pathogenic.